The following is an entry in ClinVar:

ClinVar aggregate classification (germline): Likely pathogenic (1 of 4 stars; one submission).

Conditions:
Supravalvar aortic stenosis (SVAS). Also called: Supravalvar aortic stenosis, Eisenberg type. Identifiers: Orphanet 3193, MedGen C0003499, MONDO:0008504, OMIM 185500, HP:0004381.

Allele frequency attached by ClinVar (database versions not stated): gnomAD 0.00001; TOPMed 0.00002.
gnomAD v4.1: 31 of 1,614,088 alleles (0.0019%); highest among the groups gnomAD compares: Non-Finnish European, 0.0025%; no homozygotes.

Submission:

Labcorp Genetics (formerly Invitae), Labcorp
Classification: Likely pathogenic for Supravalvar aortic stenosis. Last evaluated: 2025-06-22. Review status: criteria provided, single submitter. Criteria: Invitae Variant Classification Sherloc (09022015). Collection method: clinical testing. Allele origin: germline.
Comment: This sequence change affects an acceptor splice site in intron 6 of the ELN gene. It is expected to disrupt RNA splicing. Variants that disrupt the donor or acceptor splice site typically lead to a loss of protein function (PMID: 16199547), and loss-of-function variants in ELN are known to be pathogenic (PMID: 11175284). This variant is present in population databases (no rsID available, gnomAD 0.007%). This variant has not been reported in the literature in individuals affected with ELN-related conditions. ClinVar contains an entry for this variant (Variation ID: 2039821). Algorithms developed to predict the effect of sequence changes on RNA splicing suggest that this variant may disrupt the consensus splice site. In summary, the currently available evidence indicates that the variant is pathogenic, but additional data are needed to prove that conclusively. Therefore, this variant has been classified as Likely Pathogenic.

Literature cited by the submitters: PubMed 16199547; PubMed 11175284.

NM_000501.4(ELN):c.326-1G>T

Gene: ELN (elastin; plus strand). Cytogenetic location: 7q11.23.
Variant type: single nucleotide variant.
Coding change: c.326-1G>T on transcript NM_000501.4 (MANE Select); the canonical splice acceptor site of the intron before coding-DNA position 326, G replaced by T.
Molecular consequence: splice acceptor variant.
Genome position (GRCh38, 1-based): chr7:74,042,983, G>T. VCF-style: chr7-74042983-G-T. GRCh37 (hg19) VCF-style: chr7-73457313-G-T.
Other names: c.326-1G>T (NM_001081754.3, NM_001081753.3, NM_001278939.2 and 4 more transcripts); c.290-1G>T (NM_001278913.2); c.296-1G>T (NM_001278914.2, NM_001278917.2, NM_001081752.3 and 1 more transcripts).
Identifiers: ClinVar variation 2039821 (VCV002039821.4), dbSNP rs1554669592, ClinGen allele CA367869342.